The following is an entry in ClinVar:

ClinVar aggregate classification (germline): Uncertain significance (1 of 4 stars; one submission).

Conditions:
Ataxia-telangiectasia syndrome (AT). Also called: Cerebello-oculocutaneous telangiectasia; Immunodeficiency with ataxia telangiectasia; AT, COMPLEMENTATION GROUP C; ATAXIA-TELANGIECTASIA, COMPLEMENTATION GROUP A; ATAXIA-TELANGIECTASIA, FRESNO VARIANT; LOUIS-BAR SYNDROME. Identifiers: Orphanet 100, MedGen C0004135, MONDO:0008840, OMIM 208900.

Submission:

Labcorp Genetics (formerly Invitae), Labcorp
Classification: Uncertain significance for Ataxia-telangiectasia syndrome. Last evaluated: 2024-11-25. Review status: criteria provided, single submitter. Criteria: Invitae Variant Classification Sherloc (09022015). Collection method: clinical testing. Allele origin: germline.
Comment: This sequence change replaces asparagine, which is neutral and polar, with serine, which is neutral and polar, at codon 1000 of the ATM protein (p.Asn1000Ser). This variant is not present in population databases (gnomAD no frequency). This variant has not been reported in the literature in individuals affected with ATM-related conditions. ClinVar contains an entry for this variant (Variation ID: 1496970). Invitae Evidence Modeling of protein sequence and biophysical properties (such as structural, functional, and spatial information, amino acid conservation, physicochemical variation, residue mobility, and thermodynamic stability) indicates that this missense variant is not expected to disrupt ATM protein function with a negative predictive value of 95%. In summary, the available evidence is currently insufficient to determine the role of this variant in disease. Therefore, it has been classified as a Variant of Uncertain Significance.

NM_000051.4(ATM):c.2999A>G (p.Asn1000Ser)

Gene: ATM (ATM serine/threonine kinase; plus strand). Cytogenetic location: 11q22.3.
Variant type: single nucleotide variant.
Coding change: c.2999A>G on transcript NM_000051.4 (MANE Select); coding-DNA position 2999, A replaced by G.
Protein change: p.Asn1000Ser; replaces asparagine 1000 with serine.
Molecular consequence: missense variant.
Genome position (GRCh38, 1-based): chr11:108,271,328, A>G. VCF-style: chr11-108271328-A-G. GRCh37 (hg19) VCF-style: chr11-108142055-A-G.
Other names: c.2999A>G, p.Asn1000Ser (NM_001351834.2); short protein forms N1000S.
Identifiers: ClinVar variation 1496970 (VCV001496970.8), dbSNP rs1555085128, ClinGen allele CA382547389.